The following is an entry in ClinVar:

NM_138694.4(PKHD1):c.11387C>T (p.Ser3796Leu)

Gene: PKHD1 (PKHD1 ciliary IPT domain containing fibrocystin/polyductin; minus strand). Cytogenetic location: 6p12.3.
Variant type: single nucleotide variant.
Coding change: c.11387C>T on transcript NM_138694.4 (MANE Select); coding-DNA position 11387, C replaced by T.
Protein change: p.Ser3796Leu; replaces serine 3796 with leucine.
Molecular consequence: missense variant.
Genome position (GRCh38, 1-based): chr6:51,648,042, G>A on the plus strand (C>T on the coding strand, the complement: PKHD1 is on the minus strand). VCF-style: chr6-51648042-G-A. GRCh37 (hg19) VCF-style: chr6-51512840-G-A.
Other names: short protein forms S3796L.
Identifiers: ClinVar variation 2045880 (VCV002045880.1), dbSNP rs757605574, ClinGen allele CA3850882.

ClinVar aggregate classification (germline): Uncertain significance (1 of 4 stars; one submission).

Conditions:
Autosomal recessive polycystic kidney disease (ARPKD). Also called: AR polycystic kidney disease. Identifiers: Orphanet 731, Orphanet 8378, MedGen C0085548, MeSH D017044, MONDO:0009889.

Allele frequency attached by ClinVar (database versions not stated): gnomAD exomes 0.00001; ExAC 0.00002.
gnomAD v4.1: 7 of 1,587,358 alleles (0.00044%); highest among the groups gnomAD compares: South Asian, 0.0044%; no homozygotes.

Submission:

Labcorp Genetics (formerly Invitae), Labcorp
Classification: Uncertain significance for Autosomal recessive polycystic kidney disease. Last evaluated: 2022-03-04. Review status: criteria provided, single submitter. Criteria: Invitae Variant Classification Sherloc (09022015). Collection method: clinical testing. Allele origin: germline.
Comment: This sequence change replaces serine, which is neutral and polar, with leucine, which is neutral and non-polar, at codon 3796 of the PKHD1 protein (p.Ser3796Leu). This variant is present in population databases (rs757605574, gnomAD 0.01%). This variant has not been reported in the literature in individuals affected with PKHD1-related conditions. Advanced modeling of protein sequence and biophysical properties (such as structural, functional, and spatial information, amino acid conservation, physicochemical variation, residue mobility, and thermodynamic stability) performed at Invitae indicates that this missense variant is not expected to disrupt PKHD1 protein function. In summary, the available evidence is currently insufficient to determine the role of this variant in disease. Therefore, it has been classified as a Variant of Uncertain Significance.